The following is an entry in ClinVar:

ClinVar aggregate classification (germline): Uncertain significance. Review status: criteria provided, multiple submitters, no conflicts (2 of 4 stars). 4 submissions from 4 submitters: Uncertain significance (4). Last evaluated 2025-01-23.

Conditions:
Inborn genetic diseases. Identifiers: MedGen C0950123, MeSH D030342.
Sucrase-isomaltase deficiency (CSID). Also called: Congenital sucrose isomaltose malabsorption; Sucrose isomaltose enzyme deficiency; SI DEFICIENCY; Deficiency of isomaltase. Identifiers: Orphanet 35122, MedGen C1283620, MONDO:0009114, OMIM 222900.

Allele frequency attached by ClinVar (database versions not stated): gnomAD 0.00003 and 0.00004.
gnomAD v4.1: 47 of 1,607,106 alleles (0.0029%); highest among the groups gnomAD compares: Middle Eastern, 0.017%; no homozygotes.

Submissions (4):

Labcorp Genetics (formerly Invitae), Labcorp
Classification: Uncertain significance. Last evaluated: 2025-01-23. Review status: criteria provided, single submitter. Criteria: Invitae Variant Classification Sherloc (09022015). Collection method: clinical testing. Allele origin: germline.
Comment: This sequence change replaces threonine, which is neutral and polar, with methionine, which is neutral and non-polar, at codon 964 of the SI protein (p.Thr964Met). This variant is present in population databases (rs369115304, gnomAD 0.02%). This variant has not been reported in the literature in individuals affected with SI-related conditions. ClinVar contains an entry for this variant (Variation ID: 1466573). Invitae Evidence Modeling of protein sequence and biophysical properties (such as structural, functional, and spatial information, amino acid conservation, physicochemical variation, residue mobility, and thermodynamic stability) indicates that this missense variant is not expected to disrupt SI protein function with a negative predictive value of 95%. In summary, the available evidence is currently insufficient to determine the role of this variant in disease. Therefore, it has been classified as a Variant of Uncertain Significance.

Ambry Genetics
Classification: Uncertain significance for Inborn genetic diseases. Last evaluated: 2023-10-13. Review status: criteria provided, single submitter. Criteria: Ambry Variant Classification Scheme 2023. Collection method: clinical testing. Allele origin: germline.

Blueprint Genetics
Classification: Uncertain significance. Last evaluated: 2023-09-08. Review status: criteria provided, single submitter. Criteria: ACMG Guidelines, 2015. Collection method: clinical testing. Allele origin: germline.

Fulgent Genetics
Classification: Uncertain significance for Sucrase-isomaltase deficiency. Last evaluated: 2022-05-05. Review status: criteria provided, single submitter. Criteria: ACMG Guidelines, 2015. Collection method: clinical testing. Allele origin: unknown.

NM_001041.4(SI):c.2891C>T (p.Thr964Met)

Gene: SI (sucrase-isomaltase; minus strand). Cytogenetic location: 3q26.1.
Variant type: single nucleotide variant.
Coding change: c.2891C>T on transcript NM_001041.4 (MANE Select); coding-DNA position 2891, C replaced by T.
Protein change: p.Thr964Met; replaces threonine 964 with methionine.
Molecular consequence: missense variant.
Genome position (GRCh38, 1-based): chr3:165,030,713, G>A on the plus strand (C>T on the coding strand, the complement: SI is on the minus strand). VCF-style: chr3-165030713-G-A. GRCh37 (hg19) VCF-style: chr3-164748501-G-A.
Other names: c.2891C>T (NM_001041.3); short protein forms T964M.
Identifiers: ClinVar variation 1466573 (VCV001466573.7), dbSNP rs369115304, ClinGen allele CA2690475.
Genomic context (GRCh38, chr3:165,030,713, plus strand): 5'-TTGCACCAAAATGCTTATGTGATAACCATATCATGAGTAATAGTTAAAATTATTATTACC[G>A]TTCTCCATACACAGCCACGTTGTGTGCACTTTTGTTCAGTTGCCAAATCTGCATCTGGAT-3'
Protein context (NP_001032.2, residues 954-974): KCTQRGCVWR[Thr964Met]GSSLSKAPEC